The following is an entry in ClinVar:

ClinVar aggregate classification (germline): Pathogenic/Likely pathogenic. Review status: criteria provided, multiple submitters, no conflicts (2 of 4 stars). 2 submissions from 2 submitters: Pathogenic (1); Likely pathogenic (1). Last evaluated 2025-05-19.

Conditions:
Hermansky-Pudlak syndrome 3 (HPS3). Identifiers: Orphanet 231512, Orphanet 79430, MedGen C3888001, MONDO:0013555, OMIM 614072.

Submissions (2):

3billion
Classification: Pathogenic for Hermansky-Pudlak syndrome 3. Last evaluated: 2025-05-19. Review status: criteria provided, single submitter. Criteria: ACMG Guidelines, 2015. Collection method: clinical testing. Allele origin: germline. Affected: yes.
Comment: The variant is not observed in the gnomAD v4.1.0 dataset. Predicted Consequence/Location: Stop-gained (nonsense): predicted to result in a loss or disruption of normal protein function through nonsense-mediated decay (NMD) or protein truncation. Multiple pathogenic variants are reported downstream of the variant. The variant has been reported to be associated with HPS3-related disorder (ClinVar ID: VCV002676081). Therefore, this variant is classified as Pathogenic according to the recommendation of ACMG/AMP guideline.

Baylor Genetics
Classification: Likely pathogenic for Hermansky-Pudlak syndrome 3. Last evaluated: 2023-05-14. Review status: criteria provided, single submitter. Criteria: ACMG Guidelines, 2015. Collection method: clinical testing. Allele origin: unknown.

NM_032383.5(HPS3):c.745_746del (p.Ser248_Asp249insTer)

Gene: HPS3 (HPS3 biogenesis of lysosomal organelles complex 2 subunit 1; plus strand). Cytogenetic location: 3q24.
Variant type: Deletion.
Coding change: c.745_746del on transcript NM_032383.5 (MANE Select); coding-DNA positions 745 to 746, 2 bases deleted (GA; older notation c.745_746delGA).
Protein change: p.Ser248_Asp249insTer.
Molecular consequence: nonsense.
Genome position (GRCh38, 1-based): chr3:149,141,049-149,141,050, GA deleted; deleting any 2 consecutive bases within chr3:149,141,048-149,141,050 gives the same sequence; the c. name uses the placement nearest the transcript's 3' end. VCF-style (leftmost placement, unchanged base first): chr3-149141047-CAG-C. GRCh37 (hg19) VCF-style: chr3-148858834-CAG-C.
Other names: c.250_251del, p.Ser83_Asp84insTer (NM_001308258.2).
Identifiers: ClinVar variation 2676081 (VCV002676081.2), dbSNP rs2473072237, ClinGen allele CA2695199300.